The following is an entry in ClinVar:

NM_000059.4(BRCA2):c.898_899delinsCTTC (p.Val300fs)

Gene: BRCA2 (BRCA2 DNA repair associated; plus strand). Cytogenetic location: 13q13.1.
Variant type: Indel.
Coding change: c.898_899delinsCTTC on transcript NM_000059.4 (MANE Select); coding-DNA positions 898 to 899, GT replaced by CTTC.
Protein change: p.Val300fs; shifts the reading frame from valine 300.
Molecular consequence: frameshift variant. On other transcripts: non-coding transcript variant (1), intron variant (1).
Genome position (GRCh38, 1-based): chr13:32,332,376-32,332,377, GT replaced by CTTC. VCF-style: chr13-32332376-GT-CTTC. GRCh37 (hg19) VCF-style: chr13-32906513-GT-CTTC.
Other names: c.898_899delinsCTTC, p.Val300fs (NM_001406719.1, NM_001406720.1, NM_001406721.1); c.424+1346_424+1347delinsCTTC (NM_001406722.1); short protein forms V300fs.
Identifiers: ClinVar variation 2674526 (VCV002674526.2), dbSNP rs2548519065, ClinGen allele CA2695199246.

ClinVar aggregate classification (germline): Pathogenic. Review status: criteria provided, multiple submitters, no conflicts (2 of 4 stars). 2 submissions from 2 submitters: Pathogenic (2). Last evaluated 2024-01-17.

Conditions:
Breast-ovarian cancer, familial, susceptibility to, 2 (BROVCA2). Also called: BRCA2 Hereditary Breast and Ovarian Cancer. Identifiers: Orphanet 145, MedGen C2675520, MONDO:0012933, OMIM 612555. Disease mechanism: loss of function.
Hereditary breast ovarian cancer syndrome. Also called: Hereditary breast and/or ovarian cancer syndrome; Hereditary breast and ovarian cancer syndrome (HBOC); Breast and ovarian cancer; Hereditary breast and ovarian cancer syndrome; Hereditary breast and ovarian cancer; BRCA1- and BRCA2-Associated Hereditary Breast and Ovarian Cancer. Identifiers: Orphanet 145, MedGen C0677776, MeSH D061325, MONDO:0003582. Disease mechanism: loss of function.

Submissions (2):

Women's Health and Genetics/Laboratory Corporation of America, LabCorp
Classification: Pathogenic for Hereditary breast ovarian cancer syndrome. Last evaluated: 2024-01-17. Review status: criteria provided, single submitter. Criteria: LabCorp Variant Classification Summary - May 2015. Collection method: clinical testing. Allele origin: germline.
Comment: Variant summary: BRCA2 c.898_899delinsCTTC (p.Val300LeufsX25) results in a premature termination codon, predicted to cause absence of the protein due to nonsense mediated decay, which is a commonly known mechanism for disease. The variant was absent in 239980 control chromosomes. To our knowledge, no occurrence of c.898_899delinsCTTC in individuals affected with Hereditary Breast And Ovarian Cancer Syndrome and no experimental evidence demonstrating its impact on protein function have been reported. ClinVar contains an entry for this variant (Variation ID: 2674526). Based on the evidence outlined above, the variant was classified as Pathogenic.

Myriad Genetics, Inc.
Classification: Pathogenic for Breast-ovarian cancer, familial, susceptibility to, 2. Last evaluated: 2023-08-22. Review status: criteria provided, single submitter. Criteria: Myriad Autosomal Dominant, Autosomal Recessive and X-Linked Classification Criteria (2023). Collection method: clinical testing. Allele origin: unknown.
Comment: This variant is considered pathogenic. This variant creates a frameshift predicted to result in premature protein truncation.